The following is an entry in ClinVar:

NM_181486.4(TBX5):c.634A>G (p.Ile212Val)

Gene: TBX5 (T-box transcription factor 5; minus strand). Cytogenetic location: 12q24.21.
Variant type: single nucleotide variant.
Coding change: c.634A>G on transcript NM_181486.4 (MANE Select); coding-DNA position 634, A replaced by G.
Protein change: p.Ile212Val; replaces isoleucine 212 with valine.
Molecular consequence: missense variant.
Genome position (GRCh38, 1-based): chr12:114,394,770, T>C on the plus strand (A>G on the coding strand, the complement: TBX5 is on the minus strand). VCF-style: chr12-114394770-T-C. GRCh37 (hg19) VCF-style: chr12-114832575-T-C.
Other names: c.634A>G, p.Ile212Val (NM_000192.3); c.484A>G, p.Ile162Val (NM_080717.4); short protein forms I162V, I212V.
Identifiers: ClinVar variation 1806242 (VCV001806242.2), dbSNP rs2540466898, ClinGen allele CA386861345.
Genomic context (GRCh38, chr12:114,394,770, plus strand): 5'-CCAGGCACTGGTTCCTGGGCTTCAGGCTTACCTTGTGGTTCTGGTAGGAAGTCACTGCTA[T>C]AAACGCAGTCTCAGGAAAGACGTGAGTGCAGAACGCTGTATTTTTTGAGCCAAATCCATT-3'
Protein context (NP_852259.1, residues 202-222): CTHVFPETAF[Ile212Val]AVTSYQNHKI

ClinVar aggregate classification (germline): Uncertain significance (1 of 4 stars; one submission).

Conditions:
Holt-Oram syndrome (HOS). Also called: Ventriculo-radial syndrome; Cardiac-limb syndrome; Heart-hand syndrome, type 1; TBX5-Related Holt-Oram Syndrome. Identifiers: Orphanet 392, MedGen C0265264, MONDO:0007732, OMIM 142900.

Submission:

Victorian Clinical Genetics Services, Murdoch Childrens Research Institute
Classification: Uncertain significance for Holt-Oram syndrome. Last evaluated: 2024-10-10. Review status: criteria provided, single submitter. Criteria: ACMG Guidelines, 2015. Collection method: clinical testing. Allele origin: germline. Inheritance: Autosomal dominant inheritance. Affected: yes.
Comment: Based on the classification scheme VCGS_Germline_v1.1.1, this variant is classified as VUS - 3B. Following criteria are met: 0103 - Both loss- and gain-of-function are known mechanisms of disease for this gene, and have both been demonstrated by missense (PMID:18451335). (N) 0107 - This gene is known to be associated with autosomal dominant disease. (N) 0112 - Variants in this gene are known to have reduced penetrance (PMID:30552424). (N) 0200 - Variant is predicted to result in a missense amino acid change from isoleucine to valine (exon 6). (N) 0251 - Variant is heterozygous. (N) 0301 - Variant is absent from gnomAD. (P) 0502 - Missense variant with conflicting in silico predictions and/or uninformative conservation. (N) 0600 - Variant is located in an annotated domain or motif (T-Box DNA binding functional domain; PDB, NCBI). (N) 0705 - No comparable variants have previous evidence for pathogenicity. (N) 0807 - Variant has not previously been reported in a clinical context. (N) 0905 - No segregation evidence has been identified for this variant. (N) 1007 - No published functional evidence has been identified for this variant. (N) Legend: (P) - Pathogenic, (N) - Neutral, (B) - Benign

Literature cited by the submitters: PubMed 18451335; PubMed 30552424.